The following is an entry in ClinVar:

ClinVar aggregate classification (germline): Uncertain significance (1 of 4 stars; one submission).

Conditions:
Familial thoracic aortic aneurysm and aortic dissection (TAAD). Also called: Thoracic aortic aneurysms and dissections. Identifiers: Orphanet 91387, MedGen C4707243, MONDO:0019625.

Submission:

Ambry Genetics
Classification: Uncertain significance for Familial thoracic aortic aneurysm and aortic dissection. Last evaluated: 2024-07-28. Review status: criteria provided, single submitter. Criteria: Ambry Variant Classification Scheme 2023. Collection method: clinical testing. Allele origin: germline.
Comment: The p.Q2092R variant (also known as c.6275A>G), located in coding exon 43 of the MED12 gene, results from an A to G substitution at nucleotide position 6275. The glutamine at codon 2092 is replaced by arginine, an amino acid with highly similar properties. This amino acid position is conserved. In addition, this alteration is predicted to be tolerated by in silico analysis. Based on the available evidence, the clinical significance of this variant remains unclear.

NM_005120.3(MED12):c.6275A>G (p.Gln2092Arg)

Gene: MED12 (mediator complex subunit 12; plus strand). Cytogenetic location: Xq13.1.
Variant type: single nucleotide variant.
Coding change: c.6275A>G on transcript NM_005120.3 (MANE Select); coding-DNA position 6275, A replaced by G.
Protein change: p.Gln2092Arg; replaces glutamine 2092 with arginine.
Molecular consequence: missense variant.
Genome position (GRCh38, 1-based): chrX:71,141,237, A>G. VCF-style: chrX-71141237-A-G. GRCh37 (hg19) VCF-style: chrX-70361087-A-G.
Other names: short protein forms Q2092R.
Identifiers: ClinVar variation 3394448 (VCV003394448.1).
Genomic context (GRCh38, chrX:71,141,237, plus strand): 5'-AGGCTTAGCTTCCTCCCTCTGCTCCTTCTGAAGTATCTTTTGTGTTCTTATAGCAGCAGC[A>G]GCAACAGCAACAGCAGCAGCAGCAGCAGCAGCAACAGCAACAGCAGCAGCAGCAACAGCA-3'
Protein context (NP_005111.2, residues 2082-2102): QQQQQILRQQ[Gln2092Arg]QQQQQQQQQQ